The following is an entry in ClinVar:

ClinVar aggregate classification (germline): Uncertain significance (1 of 4 stars; one submission).

Conditions:
Congenital contractural arachnodactyly (CCA). Also called: Beals-Hecht syndrome; Arthrogryposis, distal, type 9; BEALS SYNDROME. Identifiers: Orphanet 115, MedGen C0220668, MONDO:0007363, OMIM 121050.

Allele frequency attached by ClinVar (database versions not stated): gnomAD 0.00001; TOPMed 0.00001.
gnomAD v4.1: 3 of 1,613,742 alleles (0.00019%); highest among the groups gnomAD compares: Non-Finnish European, 0.00025%; no homozygotes.

Submission:

Labcorp Genetics (formerly Invitae), Labcorp
Classification: Uncertain significance for Congenital contractural arachnodactyly. Last evaluated: 2022-08-16. Review status: criteria provided, single submitter. Criteria: Invitae Variant Classification Sherloc (09022015). Collection method: clinical testing. Allele origin: germline.
Comment: In summary, the available evidence is currently insufficient to determine the role of this variant in disease. Therefore, it has been classified as a Variant of Uncertain Significance. Algorithms developed to predict the effect of missense changes on protein structure and function are either unavailable or do not agree on the potential impact of this missense change (SIFT: "Deleterious"; PolyPhen-2: "Possibly Damaging"; Align-GVGD: "Class C0"). ClinVar contains an entry for this variant (Variation ID: 1469959). This variant has not been reported in the literature in individuals affected with FBN2-related conditions. This variant is not present in population databases (gnomAD no frequency). This sequence change replaces arginine, which is basic and polar, with cysteine, which is neutral and slightly polar, at codon 414 of the FBN2 protein (p.Arg414Cys).

NM_001999.4(FBN2):c.1240C>T (p.Arg414Cys)

Gene: FBN2 (fibrillin 2; minus strand). Cytogenetic location: 5q23.3.
Variant type: single nucleotide variant.
Coding change: c.1240C>T on transcript NM_001999.4 (MANE Select); coding-DNA position 1240, C replaced by T.
Protein change: p.Arg414Cys; replaces arginine 414 with cysteine.
Molecular consequence: missense variant.
Genome position (GRCh38, 1-based): chr5:128,393,360, G>A on the plus strand (C>T on the coding strand, the complement: FBN2 is on the minus strand). VCF-style: chr5-128393360-G-A. GRCh37 (hg19) VCF-style: chr5-127729053-G-A.
Other names: short protein forms R414C.
Identifiers: ClinVar variation 1469959 (VCV001469959.6), dbSNP rs1382726763, ClinGen allele CA360750150.